The following is an entry in ClinVar:

NM_183381.3(RNF13):c.696G>C (p.Lys232Asn)

Gene: RNF13 (ring finger protein 13; plus strand). Cytogenetic location: 3q25.1.
Variant type: single nucleotide variant.
Coding change: c.696G>C on transcript NM_183381.3 (MANE Select); coding-DNA position 696, G replaced by C.
Protein change: p.Lys232Asn; replaces lysine 232 with asparagine.
Molecular consequence: missense variant. On other transcripts: non-coding transcript variant (1).
Genome position (GRCh38, 1-based): chr3:149,921,223, G>C. VCF-style: chr3-149921223-G-C. GRCh37 (hg19) VCF-style: chr3-149639010-G-C.
Other names: c.696G>C, p.Lys232Asn (NM_001378285.1, NM_001378286.1, NM_007282.4); c.339G>C, p.Lys113Asn (NM_001378287.1, NM_001378288.1, NM_001378289.1 and 2 more transcripts); c.303G>C, p.Lys101Asn (NM_001378291.1); short protein forms K101N, K113N, K232N.
Identifiers: ClinVar variation 1369036 (VCV001369036.8), dbSNP rs749117485, ClinGen allele CA354933612.

ClinVar aggregate classification (germline): Uncertain significance (1 of 4 stars; one submission).

Submission:

Labcorp Genetics (formerly Invitae), Labcorp
Classification: Uncertain significance. Last evaluated: 2020-12-08. Review status: criteria provided, single submitter. Criteria: Invitae Variant Classification Sherloc (09022015). Collection method: clinical testing. Allele origin: germline.
Comment: This variant has not been reported in the literature in individuals with RNF13-related conditions. In summary, the available evidence is currently insufficient to determine the role of this variant in disease. Therefore, it has been classified as a Variant of Uncertain Significance. Algorithms developed to predict the effect of missense changes on protein structure and function are either unavailable or do not agree on the potential impact of this missense change (SIFT: "Deleterious"; PolyPhen-2: "Benign"; Align-GVGD: "Class C0"). This variant is not present in population databases (ExAC no frequency). This sequence change replaces lysine with asparagine at codon 232 of the RNF13 protein (p.Lys232Asn). The lysine residue is highly conserved and there is a moderate physicochemical difference between lysine and asparagine.